The following is an entry in ClinVar:

ClinVar aggregate classification (germline): Uncertain significance (1 of 4 stars; one submission).

Allele frequency attached by ClinVar (database versions not stated): gnomAD exomes 0.00001; TOPMed 0.00001.

Submission:

Labcorp Genetics (formerly Invitae), Labcorp
Classification: Uncertain significance. Last evaluated: 2025-09-29. Review status: criteria provided, single submitter. Criteria: Invitae Variant Classification Sherloc (09022015). Collection method: clinical testing. Allele origin: germline.
Comment: This sequence change replaces arginine, which is basic and polar, with cysteine, which is neutral and slightly polar, at codon 151 of the CTNNB1 protein (p.Arg151Cys). This variant is present in population databases (no rsID available, gnomAD 0.007%). This variant has not been reported in the literature in individuals affected with CTNNB1-related conditions. ClinVar contains an entry for this variant (Variation ID: 1346624). Invitae Evidence Modeling of protein sequence and biophysical properties (such as structural, functional, and spatial information, amino acid conservation, physicochemical variation, residue mobility, and thermodynamic stability) indicates that this missense variant is expected to disrupt CTNNB1 protein function with a positive predictive value of 80%. In summary, the available evidence is currently insufficient to determine the role of this variant in disease. Therefore, it has been classified as a Variant of Uncertain Significance.

NM_001904.4(CTNNB1):c.451C>T (p.Arg151Cys)

Genes: CTNNB1 (catenin beta 1; plus strand), LOC126806658 (BRD4-independent group 4 enhancer GRCh37_chr3:41265899-41267098; plus strand). Cytogenetic location: 3p22.1.
Variant type: single nucleotide variant.
Coding change: c.451C>T on transcript NM_001904.4 (MANE Select); coding-DNA position 451, C replaced by T.
Protein change: p.Arg151Cys; replaces arginine 151 with cysteine.
Molecular consequence: missense variant.
Genome position (GRCh38, 1-based): chr3:41,225,163, C>T. VCF-style: chr3-41225163-C-T. GRCh37 (hg19) VCF-style: chr3-41266654-C-T.
Other names: c.451C>T, p.Arg151Cys (NM_001098209.2, NM_001098210.2); c.430C>T, p.Arg144Cys (NM_001330729.2); short protein forms R144C, R151C.
Identifiers: ClinVar variation 1346624 (VCV001346624.8), dbSNP rs1267755116, ClinGen allele CA352229325.